The following is an entry in ClinVar:

NM_001042432.2(CLN3):c.23G>A (p.Arg8Gln)

Gene: CLN3 (CLN3 lysosomal/endosomal transmembrane protein, battenin; minus strand). Cytogenetic location: 16p12.1.
Variant type: single nucleotide variant.
Coding change: c.23G>A on transcript NM_001042432.2 (MANE Select); coding-DNA position 23, G replaced by A.
Protein change: p.Arg8Gln; replaces arginine 8 with glutamine.
Molecular consequence: missense variant. On other transcripts: 5 prime UTR variant (3).
Genome position (GRCh38, 1-based): chr16:28,491,737, C>T on the plus strand (G>A on the coding strand, the complement: CLN3 is on the minus strand). VCF-style: chr16-28491737-C-T. GRCh37 (hg19) VCF-style: chr16-28503058-C-T.
Other names: c.23G>A, p.Arg8Gln (NM_000086.2, NM_001286104.2); c.-119G>A (NM_001286105.2); c.-61G>A (NM_001286109.2, NM_001286110.2); short protein forms R8Q.
Identifiers: ClinVar variation 2171204 (VCV002171204.4), dbSNP rs2506530406, ClinGen allele CA395347546.

ClinVar aggregate classification (germline): Uncertain significance (1 of 4 stars; one submission).

Conditions:
Neuronal ceroid lipofuscinosis. Also called: Neuronal Ceroid Lipofuscinoses. Identifiers: Orphanet 216, Orphanet 79263, MedGen C0027877, MONDO:0016295. Disease mechanism: loss of function.

Allele frequency attached by ClinVar (database versions not stated): gnomAD exomes below 0.00001.
gnomAD v4.1: 3 of 1,613,936 alleles (0.00019%); highest among the groups gnomAD compares: Non-Finnish European, 0.00025%; no homozygotes.

Submission:

Labcorp Genetics (formerly Invitae), Labcorp
Classification: Uncertain significance for Neuronal ceroid lipofuscinosis. Last evaluated: 2022-06-12. Review status: criteria provided, single submitter. Criteria: Invitae Variant Classification Sherloc (09022015). Collection method: clinical testing. Allele origin: germline.
Comment: This sequence change replaces arginine, which is basic and polar, with glutamine, which is neutral and polar, at codon 8 of the CLN3 protein (p.Arg8Gln). This variant is not present in population databases (gnomAD no frequency). This variant has not been reported in the literature in individuals affected with CLN3-related conditions. Algorithms developed to predict the effect of missense changes on protein structure and function output the following: SIFT: "Tolerated"; PolyPhen-2: "Benign"; Align-GVGD: "Class C0". The glutamine amino acid residue is found in multiple mammalian species, which suggests that this missense change does not adversely affect protein function. In summary, the available evidence is currently insufficient to determine the role of this variant in disease. Therefore, it has been classified as a Variant of Uncertain Significance.